The following is an entry in ClinVar:

NM_003361.4(UMOD):c.1373T>A (p.Val458Glu)

Gene: UMOD (uromodulin; minus strand). Cytogenetic location: 16p12.3.
Variant type: single nucleotide variant.
Coding change: c.1373T>A on transcript NM_003361.4 (MANE Select); coding-DNA position 1373, T replaced by A.
Protein change: p.Val458Glu; replaces valine 458 with glutamic acid.
Molecular consequence: missense variant. On other transcripts: non-coding transcript variant (1).
Genome position (GRCh38, 1-based): chr16:20,341,295, A>T on the plus strand (T>A on the coding strand, the complement: UMOD is on the minus strand). VCF-style: chr16-20341295-A-T. GRCh37 (hg19) VCF-style: chr16-20352617-A-T.
Other names: c.1373T>A, p.Val458Glu (NM_001008389.3, NM_001378232.1, NM_001378233.1); c.1472T>A, p.Val491Glu (NM_001278614.2); c.1514T>A, p.Val505Glu (NM_001378234.1, NM_001378235.1); short protein forms V458E, V491E, V505E.
Identifiers: ClinVar variation 4278748 (VCV004278748.1).

ClinVar aggregate classification (germline): Uncertain significance (1 of 4 stars; one submission).

Submission:

GeneDx
Classification: Uncertain significance. Last evaluated: 2025-03-31. Review status: criteria provided, single submitter. Criteria: GeneDx Variant Classification Process June 2021. Collection method: clinical testing. Allele origin: germline. Affected: yes.
Comment: Not observed at significant frequency in large population cohorts (gnomAD); In silico analysis supports that this missense variant has a deleterious effect on protein structure/function; Has not been previously published as pathogenic or benign to our knowledge